The following is an entry in ClinVar:

ClinVar aggregate classification (germline): Uncertain significance (1 of 4 stars; one submission).

Allele frequency attached by ClinVar (database versions not stated): gnomAD exomes below 0.00001.
gnomAD v4.1: 1 of 1,614,080 alleles (0.000062%); highest among the groups gnomAD compares: Non-Finnish European, 0.000085%; no homozygotes.

Submission:

CeGaT Center for Human Genetics Tuebingen
Classification: Uncertain significance. Last evaluated: 2023-09-01. Review status: criteria provided, single submitter. Criteria: CeGaT Center For Human Genetics Tuebingen Variant Classification Criteria Version 2. Collection method: clinical testing. Allele origin: germline. Affected: yes. Observed: 1 variant allele.
Comment: RELN: PM2

NM_005045.4(RELN):c.9167G>A (p.Ser3056Asn)

Genes: RELN (reelin; minus strand), SLC26A5-AS1 (SLC26A5 antisense RNA 1; plus strand). Cytogenetic location: 7q22.1.
Variant type: single nucleotide variant.
Coding change: c.9167G>A on transcript NM_005045.4 (MANE Select); coding-DNA position 9167, G replaced by A.
Protein change: p.Ser3056Asn; replaces serine 3056 with asparagine.
Molecular consequence: missense variant.
Genome position (GRCh38, 1-based): chr7:103,496,552, C>T on the plus strand (G>A on the coding strand, the complement: RELN is on the minus strand). VCF-style: chr7-103496552-C-T. GRCh37 (hg19) VCF-style: chr7-103136999-C-T.
Other names: c.9167G>A, p.Ser3056Asn (NM_173054.3); short protein forms S3056N.
Identifiers: ClinVar variation 2657891 (VCV002657891.24), dbSNP rs2485743286, ClinGen allele CA368750748.